The following is an entry in ClinVar:

ClinVar aggregate classification (germline): Conflicting classifications of pathogenicity. Review status: criteria provided, conflicting classifications (1 of 4 stars). 2 submissions from 2 submitters: Uncertain significance (1); Likely benign (1). Last evaluated 2023-08-09.

Allele frequency attached by ClinVar (database versions not stated): gnomAD 0.00001; gnomAD exomes 0.00001; ExAC 0.00002.
gnomAD v4.1: 19 of 1,602,122 alleles (0.0012%); highest among the groups gnomAD compares: Admixed American, 0.0017%; no homozygotes.

Submissions (2):

Labcorp Genetics (formerly Invitae), Labcorp
Classification: Uncertain significance. Last evaluated: 2023-08-09. Review status: criteria provided, single submitter. Criteria: Invitae Variant Classification Sherloc (09022015). Collection method: clinical testing. Allele origin: germline.
Comment: This sequence change falls in intron 6 of the SLC20A2 gene. It does not directly change the encoded amino acid sequence of the SLC20A2 protein. It affects a nucleotide within the consensus splice site. This variant is present in population databases (rs756616737, gnomAD 0.003%). This variant has not been reported in the literature in individuals affected with SLC20A2-related conditions. Variants that disrupt the consensus splice site are a relatively common cause of aberrant splicing (PMID: 17576681, 9536098). Algorithms developed to predict the effect of sequence changes on RNA splicing suggest that this variant is not likely to affect RNA splicing. In summary, the available evidence is currently insufficient to determine the role of this variant in disease. Therefore, it has been classified as a Variant of Uncertain Significance.

Blueprint Genetics
Classification: Likely benign. Last evaluated: 2020-05-19. Review status: criteria provided, single submitter. Criteria: ACMG Guidelines, 2015. Collection method: clinical testing. Allele origin: germline.

Literature cited by the submitters: PubMed 17576681 (cited by Labcorp Genetics (formerly Invitae), Labcorp); PubMed 9536098 (cited by Labcorp Genetics (formerly Invitae), Labcorp).

NM_001257180.2(SLC20A2):c.731-3T>C

Gene: SLC20A2 (solute carrier family 20 member 2; minus strand). Cytogenetic location: 8p11.21.
Variant type: single nucleotide variant.
Coding change: c.731-3T>C on transcript NM_001257180.2 (MANE Select); 3 bases into the intron before coding-DNA position 731, T replaced by C.
Molecular consequence: intron variant.
Genome position (GRCh38, 1-based): chr8:42,439,656, A>G on the plus strand (T>C on the coding strand, the complement: SLC20A2 is on the minus strand). VCF-style: chr8-42439656-A-G. GRCh37 (hg19) VCF-style: chr8-42297174-A-G.
Other names: c.731-3T>C (NM_006749.5, NM_001257181.2).
Identifiers: ClinVar variation 3014963 (VCV003014963.4), dbSNP rs756616737, ClinGen allele CA4733469.